The following is an entry in ClinVar:

NM_001042492.3(NF1):c.3660A>T (p.Glu1220Asp)

Gene: NF1 (neurofibromin 1; plus strand). Cytogenetic location: 17q11.2.
Variant type: single nucleotide variant.
Coding change: c.3660A>T on transcript NM_001042492.3 (MANE Select); coding-DNA position 3660, A replaced by T.
Protein change: p.Glu1220Asp; replaces glutamic acid 1220 with aspartic acid.
Molecular consequence: missense variant.
Genome position (GRCh38, 1-based): chr17:31,233,165, A>T. VCF-style: chr17-31233165-A-T. GRCh37 (hg19) VCF-style: chr17-29560183-A-T.
Other names: c.3660A>T, p.Glu1220Asp (NM_000267.4); short protein forms E1220D.
Identifiers: ClinVar variation 1367355 (VCV001367355.9), dbSNP rs1597720161, ClinGen allele CA398990515.
Genomic context (GRCh38, chr17:31,233,165, plus strand): 5'-ATTGGCTGATCGGTTTGAGAGATTGGTGGAACTGGTCACAATGATGGGTGATCAAGGAGA[A>T]CTCCCTATAGCGATGGCTCTGGCCAATGTGGTTCCTTGTTCTCAGTGGGTAAGTGATTAG-3'
Protein context (NP_001035957.1, residues 1210-1230): ELVTMMGDQG[Glu1220Asp]LPIAMALANV

ClinVar aggregate classification (germline): Uncertain significance. Review status: criteria provided, multiple submitters, no conflicts (2 of 4 stars). 2 submissions from 2 submitters: Uncertain significance (2). Last evaluated 2023-05-23.

Conditions:
Cardiovascular phenotype. Identifiers: MedGen CN230736.
Hereditary cancer-predisposing syndrome. Also called: Hereditary neoplastic syndrome; Hereditary Cancer Syndrome; Neoplastic Syndromes, Hereditary; Tumor predisposition. Identifiers: Orphanet 140162, MedGen C0027672, MeSH D009386, MONDO:0015356.
Neurofibromatosis, type 1 (NF1). Also called: Peripheral type neurofibromatosis; Neurofibromatosis, type I; NEUROFIBROMATOSIS, TYPE I, SOMATIC; VON RECKLINGHAUSEN DISEASE. Identifiers: Orphanet 636, MedGen C0027831, MONDO:0018975, OMIM 162200. Disease mechanism: loss of function.

Submissions (2):

Ambry Genetics
Classification: Uncertain significance for Cardiovascular phenotype; Hereditary cancer-predisposing syndrome. Last evaluated: 2023-05-23. Review status: criteria provided, single submitter. Criteria: Ambry Variant Classification Scheme 2023. Collection method: clinical testing. Allele origin: germline.
Comment: The p.E1220D variant (also known as c.3660A>T), located in coding exon 27 of the NF1 gene, results from an A to T substitution at nucleotide position 3660. The glutamic acid at codon 1220 is replaced by aspartic acid, an amino acid with highly similar properties. This amino acid position is conserved. In addition, the in silico prediction for this alteration is inconclusive. Since supporting evidence is limited at this time, the clinical significance of this alteration remains unclear.

Labcorp Genetics (formerly Invitae), Labcorp
Classification: Uncertain significance for Neurofibromatosis, type 1. Last evaluated: 2021-01-28. Review status: criteria provided, single submitter. Criteria: Invitae Variant Classification Sherloc (09022015). Collection method: clinical testing. Allele origin: germline.
Comment: In summary, the available evidence is currently insufficient to determine the role of this variant in disease. Therefore, it has been classified as a Variant of Uncertain Significance. Algorithms developed to predict the effect of missense changes on protein structure and function are either unavailable or do not agree on the potential impact of this missense change (SIFT: "Tolerated"; PolyPhen-2: "Probably Damaging"; Align-GVGD: "Class C0"). This variant has not been reported in the literature in individuals with NF1-related conditions. This variant is not present in population databases (ExAC no frequency). This sequence change replaces glutamic acid with aspartic acid at codon 1220 of the NF1 protein (p.Glu1220Asp). The glutamic acid residue is moderately conserved and there is a small physicochemical difference between glutamic acid and aspartic acid.